The following is an entry in ClinVar:

ClinVar aggregate classification (germline): Pathogenic (1 of 4 stars; one submission).

Conditions:
Lynch syndrome 4 (LYNCH4). Also called: Hereditary non-polyposis colorectal cancer, type 4; Colorectal cancer, hereditary nonpolyposis, type 4. Identifiers: Orphanet 144, MedGen C1838333, MONDO:0013699, OMIM 614337. Disease mechanism: loss of function.

Submission:

Myriad Genetics, Inc.
Classification: Pathogenic for Lynch syndrome 4. Last evaluated: 2024-01-31. Review status: criteria provided, single submitter. Criteria: Myriad Autosomal Dominant, Autosomal Recessive and X-Linked Classification Criteria (2023). Collection method: clinical testing. Allele origin: unknown.
Comment: This variant is considered pathogenic. This variant creates a frameshift predicted to result in premature protein truncation.

NM_000535.7(PMS2):c.812del (p.Gly271fs)

Gene: PMS2 (PMS1 homolog 2, mismatch repair system component; minus strand). Cytogenetic location: 7p22.1.
Variant type: Deletion.
Coding change: c.812del on transcript NM_000535.7 (MANE Select); coding-DNA position 812, one base deleted (G; older notation c.812delG).
Protein change: p.Gly271fs; shifts the reading frame from glycine 271.
Molecular consequence: frameshift variant. On other transcripts: non-coding transcript variant (1), intron variant (4), 5 prime UTR variant (2).
Genome position (GRCh38, 1-based): chr7:5,995,625, C deleted on the plus strand (G on the coding strand, the reverse complement: PMS2 is on the minus strand); the first of 2 consecutive C bases (chr7:5,995,625-5,995,626); deleting either gives the same sequence. VCF-style (leftmost placement, unchanged base first): chr7-5995624-AC-A. GRCh37 (hg19) VCF-style: chr7-6035255-AC-A.
Other names: c.407del, p.Gly136fs (NM_001406890.1, NM_001406891.1, NM_001406892.1 and 19 more transcripts); c.503del, p.Gly168fs (NM_001406900.1, NM_001322015.2, NM_001406875.1 and 6 more transcripts); c.494del, p.Gly165fs (NM_001406901.1, NM_001406902.1, NM_001406903.1 and 4 more transcripts); c.299del, p.Gly100fs (NM_001406904.1, NM_001406905.1); c.239del, p.Gly80fs (NM_001406909.1, NM_001322013.2); c.133-3568del (NM_001406911.1); c.538-3568del (NM_001406886.1); c.705+3483del (NM_001406873.1); and 9 more; short protein forms G215fs, G271fs, G235fs, G333fs, G80fs, G165fs, G100fs, G136fs.
Identifiers: ClinVar variation 3148690 (VCV003148690.1), dbSNP rs2536156382, ClinGen allele CA2825001535.
Genomic context (GRCh38, chr7:5,995,624, plus strand): 5'-AAAGAAAAACTGTCTGTCTGTTGAACTCCTTCCAACTCCATGCGTGCATTGTGAAATGAA[AC>A]CTGAGATGCTATTCAACATTAATATGGTAAGGGCAGGATTCCAGAGTGAAAGGGATTAGA-3'